The following is an entry in ClinVar:

NM_001085411.3(NADK2):c.1006A>G (p.Asn336Asp)

Gene: NADK2 (NAD kinase 2, mitochondrial; minus strand). Cytogenetic location: 5p13.2.
Variant type: single nucleotide variant.
Coding change: c.1006A>G on transcript NM_001085411.3 (MANE Select); coding-DNA position 1006, A replaced by G.
Protein change: p.Asn336Asp; replaces asparagine 336 with aspartic acid.
Molecular consequence: missense variant.
Genome position (GRCh38, 1-based): chr5:36,201,112, T>C on the plus strand (A>G on the coding strand, the complement: NADK2 is on the minus strand). VCF-style: chr5-36201112-T-C. GRCh37 (hg19) VCF-style: chr5-36201214-T-C.
Other names: c.517A>G, p.Asn173Asp (NM_001287340.2, NM_153013.5); c.583A>G, p.Asn195Asp (NM_001287341.2); c.1006A>G (NM_001085411.1); short protein forms N336D, N173D, N195D.
Identifiers: ClinVar variation 1440652 (VCV001440652.6), dbSNP rs1746429613, ClinGen allele CA359453194.

ClinVar aggregate classification (germline): Uncertain significance. Review status: criteria provided, multiple submitters, no conflicts (2 of 4 stars). 2 submissions from 2 submitters: Uncertain significance (2). Last evaluated 2025-03-08.

Conditions:
Inborn genetic diseases. Identifiers: MedGen C0950123, MeSH D030342.
Progressive encephalopathy with leukodystrophy due to DECR deficiency. Identifiers: Orphanet 431361, MedGen C1857252, MONDO:0014464, OMIM 616034.

Allele frequency attached by ClinVar (database versions not stated): gnomAD exomes below 0.00001; TOPMed below 0.00001.
gnomAD v4.1: 4 of 1,612,462 alleles (0.00025%); highest among the groups gnomAD compares: Middle Eastern, 0.05%; no homozygotes.

Submissions (2):

Ambry Genetics
Classification: Uncertain significance for Inborn genetic diseases. Last evaluated: 2025-03-08. Review status: criteria provided, single submitter. Criteria: Ambry Variant Classification Scheme 2023. Collection method: clinical testing. Allele origin: germline.

Labcorp Genetics (formerly Invitae), Labcorp
Classification: Uncertain significance for Progressive encephalopathy with leukodystrophy due to DECR deficiency. Last evaluated: 2021-08-27. Review status: criteria provided, single submitter. Criteria: Invitae Variant Classification Sherloc (09022015). Collection method: clinical testing. Allele origin: germline.
Comment: This sequence change replaces asparagine with aspartic acid at codon 336 of the NADK2 protein (p.Asn336Asp). The asparagine residue is moderately conserved and there is a small physicochemical difference between asparagine and aspartic acid. This variant is not present in population databases (ExAC no frequency). This variant has not been reported in the literature in individuals affected with NADK2-related conditions. Algorithms developed to predict the effect of missense changes on protein structure and function (SIFT, PolyPhen-2, Align-GVGD) all suggest that this variant is likely to be tolerated. In summary, the available evidence is currently insufficient to determine the role of this variant in disease. Therefore, it has been classified as a Variant of Uncertain Significance.